The following is an entry in ClinVar:

NM_014956.5(CEP164):c.627C>T (p.Leu209=)

Gene: CEP164 (centrosomal protein 164; plus strand). Cytogenetic location: 11q23.3.
Variant type: single nucleotide variant.
Coding change: c.627C>T on transcript NM_014956.5 (MANE Select); coding-DNA position 627, C replaced by T.
Protein change: p.Leu209=; no amino-acid change (leucine 209 retained).
Molecular consequence: synonymous variant.
Genome position (GRCh38, 1-based): chr11:117,362,478, C>T. VCF-style: chr11-117362478-C-T. GRCh37 (hg19) VCF-style: chr11-117233194-C-T.
Other names: c.627C>T, p.Leu209= (NM_001271933.2); c.627C>T (NM_014956.4).
Identifiers: ClinVar variation 1584371 (VCV001584371.9), dbSNP rs754357397, ClinGen allele CA6294539.

ClinVar aggregate classification (germline): Likely benign. Review status: criteria provided, multiple submitters, no conflicts (2 of 4 stars). 2 submissions from 2 submitters: Likely benign (2). Last evaluated 2025-12-19.

Conditions:
Nephronophthisis 15 (NPHP15). Identifiers: Orphanet 3156, MedGen C3541853, MONDO:0013917, OMIM 614845.
CEP164-related disorder. Also called: CEP164-related condition.

Allele frequency attached by ClinVar (database versions not stated): gnomAD exomes below 0.00001; ExAC 0.00001; gnomAD 0.00001.
gnomAD v4.1: 4 of 1,613,754 alleles (0.00025%); highest among the groups gnomAD compares: Non-Finnish European, 0.00034%; no homozygotes.

Submissions (2):

PreventionGenetics, part of Exact Sciences
Classification: Likely benign for CEP164-related condition. Last evaluated: 2025-12-19. Review status: criteria provided, single submitter. Criteria: ACMG Guidelines, 2015. Collection method: clinical testing. Allele origin: germline.
Comment: This variant is classified as likely benign based on ACMG/AMP sequence variant interpretation guidelines (Richards et al. 2015 PMID: 25741868, with internal and published modifications).

Labcorp Genetics (formerly Invitae), Labcorp
Classification: Likely benign for Nephronophthisis 15. Last evaluated: 2024-09-03. Review status: criteria provided, single submitter. Criteria: Invitae Variant Classification Sherloc (09022015). Collection method: clinical testing. Allele origin: germline.